The following is an entry in ClinVar:

NM_004329.3(BMPR1A):c.1294A>G (p.Ser432Gly)

Gene: BMPR1A (bone morphogenetic protein receptor type 1A; plus strand). Cytogenetic location: 10q23.2.
Variant type: single nucleotide variant.
Coding change: c.1294A>G on transcript NM_004329.3 (MANE Select); coding-DNA position 1294, A replaced by G.
Protein change: p.Ser432Gly; replaces serine 432 with glycine.
Molecular consequence: missense variant. On other transcripts: non-coding transcript variant (3).
Genome position (GRCh38, 1-based): chr10:86,921,647, A>G. VCF-style: chr10-86921647-A-G. GRCh37 (hg19) VCF-style: chr10-88681404-A-G.
Other names: c.1294A>G, p.Ser432Gly (NM_001406578.1, NM_001406579.1, NM_001406580.1 and 19 more transcripts); c.1288A>G, p.Ser430Gly (NM_001406583.1); c.1210A>G, p.Ser404Gly (NM_001406584.1, NM_001406585.1, NM_001406586.1 and 2 more transcripts); c.1369A>G, p.Ser457Gly (NM_001406559.1); c.1342A>G, p.Ser448Gly (NM_001406560.1); c.952A>G, p.Ser318Gly (NM_001406589.1); short protein forms S404G, S430G, S318G, S457G, S432G, S448G.
Identifiers: ClinVar variation 3992039 (VCV003992039.2).

ClinVar aggregate classification (germline): Uncertain significance (1 of 4 stars; one submission).

Conditions:
Hereditary cancer-predisposing syndrome. Also called: Neoplastic Syndromes, Hereditary; Tumor predisposition; Hereditary Cancer Syndrome; Hereditary neoplastic syndrome. Identifiers: Orphanet 140162, MedGen C0027672, MeSH D009386, MONDO:0015356.

Submission:

Ambry Genetics
Classification: Uncertain significance for Hereditary cancer-predisposing syndrome. Last evaluated: 2026-07-13. Review status: criteria provided, single submitter. Criteria: Ambry Variant Classification Scheme 2023. Collection method: clinical testing. Allele origin: germline.
Comment: The p.S432G variant (also known as c.1294A>G), located in coding exon 9 of the BMPR1A gene, results from an A to G substitution at nucleotide position 1294. The serine at codon 432 is replaced by glycine, an amino acid with similar properties. This amino acid position is conserved. In addition, this alteration is predicted to be deleterious by in silico analysis. Based on the available evidence, the clinical significance of this variant remains unclear.